The following is an entry in ClinVar:

NM_213599.3(ANO5):c.41-15_41-12del

Gene: ANO5 (anoctamin 5; plus strand). Cytogenetic location: 11p14.3.
Variant type: Microsatellite.
Coding change: c.41-15_41-12del on transcript NM_213599.3 (MANE Select); 15 bases into the intron before coding-DNA position 41 through 12 bases into the intron before coding-DNA position 41, 4 bases deleted (TCTT; older notation c.41-15_41-12delTCTT).
Molecular consequence: intron variant.
Genome position (GRCh38, 1-based): chr11:22,203,789-22,203,792, TCTT deleted; deleting any 4 consecutive bases within chr11:22,203,785-22,203,792 gives the same sequence; the c. name uses the placement nearest the transcript's 3' end. VCF-style (leftmost placement, unchanged base first): chr11-22203784-CTCTT-C. GRCh37 (hg19) VCF-style: chr11-22225330-CTCTT-C.
Other names: c.41-15_41-12del (NM_001142649.2).
Identifiers: ClinVar variation 669073 (VCV000669073.13), dbSNP rs746608278, ClinGen allele CA5922761.

ClinVar aggregate classification (germline): Likely benign. Review status: criteria provided, multiple submitters, no conflicts (2 of 4 stars). 3 submissions from 3 submitters: Likely benign (3). Last evaluated 2025-12-16.

Conditions:
Gnathodiaphyseal dysplasia (GDD). Also called: GNATHODIAPHYSEAL SCLEROSIS; OSTEOGENESIS IMPERFECTA WITH UNUSUAL SKELETAL LESIONS. Identifiers: Orphanet 53697, MedGen C1833736, MONDO:0008151, OMIM 166260.
Autosomal recessive limb-girdle muscular dystrophy type 2L (LGMDR12). Also called: Limb-girdle muscular dystrophy, type 2L; MUSCULAR DYSTROPHY, LIMB-GIRDLE, AUTOSOMAL RECESSIVE 12; Limb-Girdle Muscular Dystrophy R12 Anoctamin-5-Related (LGMD-R12). Identifiers: Orphanet 206549, MedGen C1969785, MONDO:0012652, OMIM 611307.

Submissions (3):

Labcorp Genetics (formerly Invitae), Labcorp
Classification: Likely benign for Autosomal recessive limb-girdle muscular dystrophy type 2L; Gnathodiaphyseal dysplasia. Last evaluated: 2025-12-16. Review status: criteria provided, single submitter. Criteria: Invitae Variant Classification Sherloc (09022015). Collection method: clinical testing. Allele origin: germline.

Blueprint Genetics
Classification: Likely benign. Last evaluated: 2024-10-23. Review status: criteria provided, single submitter. Criteria: ACMG Guidelines, 2015. Collection method: clinical testing. Allele origin: germline.

GeneDx
Classification: Likely benign. Last evaluated: 2018-06-01. Review status: criteria provided, single submitter. Criteria: GeneDx Variant Classification (06012015). Collection method: clinical testing. Allele origin: germline. Affected: yes.
Comment: This variant is considered likely benign or benign based on one or more of the following criteria: it is a conservative change, it occurs at a poorly conserved position in the protein, it is predicted to be benign by multiple in silico algorithms, and/or has population frequency not consistent with disease.